The following is an entry in ClinVar:

NM_006755.2(TALDO1):c.98-10A>G

Gene: TALDO1 (transaldolase 1; plus strand). Cytogenetic location: 11p15.5.
Variant type: single nucleotide variant.
Coding change: c.98-10A>G on transcript NM_006755.2 (MANE Select); 10 bases into the intron before coding-DNA position 98, A replaced by G.
Molecular consequence: intron variant.
Genome position (GRCh38, 1-based): chr11:755,869, A>G. VCF-style: chr11-755869-A-G. GRCh37 (hg19) VCF-style: chr11-755869-A-G.
Other names: c.98-10A>G (NM_006755.1).
Identifiers: ClinVar variation 2963559 (VCV002963559.5), dbSNP rs1273320816, ClinGen allele CA596796115.

ClinVar aggregate classification (germline): Likely benign. Review status: criteria provided, single submitter (1 of 4 stars). 2 submissions from 2 submitters: Likely benign (1). 1 of the submissions does not count toward it. Last evaluated 2023-06-14.

Conditions:
TALDO1-related disorder. Also called: TALDO1-related condition.

Allele frequency attached by ClinVar (database versions not stated): gnomAD 0.00001; gnomAD exomes 0.00001; TOPMed 0.00001.
gnomAD v4.1: 13 of 1,613,932 alleles (0.00081%); highest among the groups gnomAD compares: East Asian, 0.0022%; no homozygotes.

Submissions (2):

Labcorp Genetics (formerly Invitae), Labcorp
Classification: Likely benign. Last evaluated: 2023-06-14. Review status: criteria provided, single submitter. Criteria: Invitae Variant Classification Sherloc (09022015). Collection method: clinical testing. Allele origin: germline.

PreventionGenetics, part of Exact Sciences
Classification: Likely benign for TALDO1-related condition. Last evaluated: 2021-08-31. Review status: no assertion criteria provided. Collection method: clinical testing. Allele origin: germline. Not counted in ClinVar's aggregate classification.
Comment: This variant is classified as likely benign based on ACMG/AMP sequence variant interpretation guidelines (Richards et al. 2015 PMID: 25741868, with internal and published modifications).